The following is an entry in ClinVar:

ClinVar aggregate classification (germline): Uncertain significance (1 of 4 stars; one submission).

Conditions:
Juvenile polyposis syndrome (JPS). Identifiers: Orphanet 2929, MedGen C0345893, MONDO:0017380, OMIM 174900.

Submission:

Labcorp Genetics (formerly Invitae), Labcorp
Classification: Uncertain significance for Juvenile polyposis syndrome. Last evaluated: 2023-05-28. Review status: criteria provided, single submitter. Criteria: Invitae Variant Classification Sherloc (09022015). Collection method: clinical testing. Allele origin: germline.
Comment: Advanced modeling of protein sequence and biophysical properties (such as structural, functional, and spatial information, amino acid conservation, physicochemical variation, residue mobility, and thermodynamic stability) has been performed at Invitae for this missense variant, however the output from this modeling did not meet the statistical confidence thresholds required to predict the impact of this variant on SMAD4 protein function. This variant has not been reported in the literature in individuals affected with SMAD4-related conditions. This variant is not present in population databases (gnomAD no frequency). This sequence change replaces leucine, which is neutral and non-polar, with serine, which is neutral and polar, at codon 364 of the SMAD4 protein (p.Leu364Ser). This variant disrupts the p.Leu364 amino acid residue in SMAD4. Other variant(s) that disrupt this residue have been determined to be pathogenic (PMID: 16436638, 20101697; Invitae). This suggests that this residue is clinically significant, and that variants that disrupt this residue are likely to be disease-causing. In summary, the available evidence is currently insufficient to determine the role of this variant in disease. Therefore, it has been classified as a Variant of Uncertain Significance.

Literature cited by the submitters: PubMed 16436638; PubMed 20101697.

NM_005359.6(SMAD4):c.1091T>C (p.Leu364Ser)

Gene: SMAD4 (SMAD family member 4; plus strand). Cytogenetic location: 18q21.2.
Variant type: single nucleotide variant.
Coding change: c.1091T>C on transcript NM_005359.6 (MANE Select); coding-DNA position 1091, T replaced by C.
Protein change: p.Leu364Ser; replaces leucine 364 with serine.
Molecular consequence: missense variant. On other transcripts: non-coding transcript variant (2).
Genome position (GRCh38, 1-based): chr18:51,065,558, T>C. VCF-style: chr18-51065558-T-C. GRCh37 (hg19) VCF-style: chr18-48591928-T-C.
Other names: c.1091T>C, p.Leu364Ser (NM_001407041.1, NM_001407042.1, NM_001407043.1); short protein forms L364S.
Identifiers: ClinVar variation 2744261 (VCV002744261.3), dbSNP rs377767350, ClinGen allele CA402464414.
Genomic context (GRCh38, chr18:51,065,558, plus strand): 5'-GCTGCCCTATTGTTACTGTTGATGGATACGTGGACCCTTCTGGAGGAGATCGCTTTTGTT[T>C]GGGTCAACTCTCCAATGTCCACAGGACAGAAGCCATTGAGAGAGCAAGGTATTGATTGTA-3'
Protein context (NP_005350.1, residues 354-374): VDPSGGDRFC[Leu364Ser]GQLSNVHRTE